The following is an entry in ClinVar:

ClinVar aggregate classification (germline): Uncertain significance. Review status: criteria provided, multiple submitters, no conflicts (2 of 4 stars). 4 submissions from 4 submitters: Uncertain significance (4). Last evaluated 2025-02-18.

Conditions:
BAP1-related tumor predisposition syndrome (TPDS1). Also called: COMMON Syndrome; TUMOR PREDISPOSITION SYNDROME 1; BAP1 tumor predisposition syndrome; Tumor susceptibility linked to germline BAP1 mutations. Identifiers: Orphanet 289539, MedGen C3280492, MONDO:0013692, OMIM 614327.
Kury-Isidor syndrome (KURIS). Identifiers: MedGen C5676925, MONDO:0859230, OMIM 619762.
Hereditary cancer-predisposing syndrome. Also called: Neoplastic Syndromes, Hereditary; Hereditary Cancer Syndrome; Hereditary neoplastic syndrome; Tumor predisposition. Identifiers: Orphanet 140162, MedGen C0027672, MeSH D009386, MONDO:0015356.

Allele frequency attached by ClinVar (database versions not stated): gnomAD 0.00001; TOPMed 0.00001.
gnomAD v4.1: 5 of 1,613,908 alleles (0.00031%); highest among the groups gnomAD compares: Non-Finnish European, 0.00042%; no homozygotes.

Submissions (4):

Labcorp Genetics (formerly Invitae), Labcorp
Classification: Uncertain significance for BAP1-related tumor predisposition syndrome. Last evaluated: 2025-02-18. Review status: criteria provided, single submitter. Criteria: Invitae Variant Classification Sherloc (09022015). Collection method: clinical testing. Allele origin: germline.
Comment: This sequence change replaces proline, which is neutral and non-polar, with alanine, which is neutral and non-polar, at codon 328 of the BAP1 protein (p.Pro328Ala). This variant is not present in population databases (gnomAD no frequency). This variant has not been reported in the literature in individuals affected with BAP1-related conditions. ClinVar contains an entry for this variant (Variation ID: 539908). Invitae Evidence Modeling of protein sequence and biophysical properties (such as structural, functional, and spatial information, amino acid conservation, physicochemical variation, residue mobility, and thermodynamic stability) indicates that this missense variant is not expected to disrupt BAP1 protein function with a negative predictive value of 80%. In summary, the available evidence is currently insufficient to determine the role of this variant in disease. Therefore, it has been classified as a Variant of Uncertain Significance.

Ambry Genetics
Classification: Uncertain significance for Hereditary cancer-predisposing syndrome. Last evaluated: 2024-12-11. Review status: criteria provided, single submitter. Criteria: Ambry Variant Classification Scheme 2023. Collection method: clinical testing. Allele origin: germline.
Comment: The p.P328A variant (also known as c.982C>G), located in coding exon 11 of the BAP1 gene, results from a C to G substitution at nucleotide position 982. The proline at codon 328 is replaced by alanine, an amino acid with highly similar properties. This amino acid position is well conserved in available vertebrate species. In addition, this alteration is predicted to be tolerated by in silico analysis. Based on the available evidence, the clinical significance of this variant remains unclear.

Color Diagnostics, LLC DBA Color Health
Classification: Uncertain significance for Hereditary cancer-predisposing syndrome. Last evaluated: 2024-03-06. Review status: criteria provided, single submitter. Criteria: ACMG Guidelines, 2015. Collection method: clinical testing. Allele origin: germline.
Comment: This missense variant replaces proline with alanine at codon 328 of the BAP1 protein. Computational prediction suggests that this variant may not impact protein structure and function (internally defined REVEL score threshold <= 0.5, PMID: 27666373). To our knowledge, functional studies have not been reported for this variant. This variant has not been reported in individuals affected with BAP1-related disorders in the literature. This variant has not been identified in the general population by the Genome Aggregation Database (gnomAD). The available evidence is insufficient to determine the role of this variant in disease conclusively. Therefore, this variant is classified as a Variant of Uncertain Significance.

Fulgent Genetics
Classification: Uncertain significance for BAP1-related tumor predisposition syndrome; Kury-Isidor syndrome. Last evaluated: 2021-07-07. Review status: criteria provided, single submitter. Criteria: ACMG Guidelines, 2015. Collection method: clinical testing. Allele origin: unknown.

NM_004656.4(BAP1):c.982C>G (p.Pro328Ala)

Gene: BAP1 (BRCA1 associated deubiquitinase 1; minus strand). Cytogenetic location: 3p21.1.
Variant type: single nucleotide variant.
Coding change: c.982C>G on transcript NM_004656.4 (MANE Select); coding-DNA position 982, C replaced by G.
Protein change: p.Pro328Ala; replaces proline 328 with alanine.
Molecular consequence: missense variant.
Genome position (GRCh38, 1-based): chr3:52,405,244, G>C on the plus strand (C>G on the coding strand, the complement: BAP1 is on the minus strand). VCF-style: chr3-52405244-G-C. GRCh37 (hg19) VCF-style: chr3-52439260-G-C.
Other names: short protein forms P328A.
Identifiers: ClinVar variation 539908 (VCV000539908.18), dbSNP rs760860535, ClinGen allele CA353106106.